The following is an entry in ClinVar:

NM_000393.5(COL5A2):c.1709G>A (p.Gly570Asp)

Gene: COL5A2 (collagen type V alpha 2 chain; minus strand). Cytogenetic location: 2q32.2.
Variant type: single nucleotide variant.
Coding change: c.1709G>A on transcript NM_000393.5 (MANE Select); coding-DNA position 1709, G replaced by A.
Protein change: p.Gly570Asp; replaces glycine 570 with aspartic acid.
Molecular consequence: missense variant.
Genome position (GRCh38, 1-based): chr2:189,064,564, C>T on the plus strand (G>A on the coding strand, the complement: COL5A2 is on the minus strand). VCF-style: chr2-189064564-C-T. GRCh37 (hg19) VCF-style: chr2-189929290-C-T.
Other names: short protein forms G570D.
Identifiers: ClinVar variation 4635350 (VCV004635350.1).

ClinVar aggregate classification (germline): Uncertain significance (1 of 4 stars; one submission).

Conditions:
Familial thoracic aortic aneurysm and aortic dissection (TAAD). Also called: Thoracic aortic aneurysms and dissections. Identifiers: Orphanet 91387, MedGen C4707243, MONDO:0019625.

gnomAD v4.1: 1 of 1,613,284 alleles (0.000062%); highest among the groups gnomAD compares: African/African-American, 0.0013%; no homozygotes.

Submission:

Ambry Genetics
Classification: Uncertain significance for Familial thoracic aortic aneurysm and aortic dissection. Last evaluated: 2025-09-15. Review status: criteria provided, single submitter. Criteria: Ambry Variant Classification Scheme 2023. Collection method: clinical testing. Allele origin: germline.
Comment: The p.G570D variant (also known as c.1709G>A), located in coding exon 25 of the COL5A2 gene, results from a G to A substitution at nucleotide position 1709. The glycine at codon 570 is replaced by aspartic acid, an amino acid with similar properties. Internal structural analysis indicates that this alteration disrupts the characteristic G-X-Y motif of the triple helical domain in the COL5A2 protein and inserts a bulky side chain into a sterically-constrained region (Bella J et al.Science.1994;266:75-81; Hohenester E et al.Proc. Natl.Acad. Sci.U.S.A.2008;105:18273-7; Ambry internal data). Glycine substitutions in the triple helical domain of COL5A2 have been reported in association with classic Ehlers-Danlos syndrome (cEDS), but the number of affected individuals is limited and several other COL5A2 glycine substitutions in the triple helical domain (e.g., p.G951E and p.G831A) are too common for disease in population databases (Symoens S et al.Hum. Mutat., 2012 Oct;33:1485-93; Ritelli M et al.Orphanet J Rare Dis.2013 Apr;8:58). This amino acid position is highly conserved in available vertebrate species. In addition, this alteration is predicted to be deleterious by in silico analysis. Based on the available evidence, the clinical significance of this variant remains unclear.